The following is an entry in ClinVar:

NM_006939.4(SOS2):c.3644C>T (p.Thr1215Ile)

Gene: SOS2 (SOS Ras/Rho guanine nucleotide exchange factor 2; minus strand). Cytogenetic location: 14q21.3.
Variant type: single nucleotide variant.
Coding change: c.3644C>T on transcript NM_006939.4 (MANE Select); coding-DNA position 3644, C replaced by T.
Protein change: p.Thr1215Ile; replaces threonine 1215 with isoleucine.
Molecular consequence: missense variant.
Genome position (GRCh38, 1-based): chr14:50,118,699, G>A on the plus strand (C>T on the coding strand, the complement: SOS2 is on the minus strand). VCF-style: chr14-50118699-G-A. GRCh37 (hg19) VCF-style: chr14-50585417-G-A.
Other names: c.3545C>T, p.Thr1182Ile (NM_001411020.1); short protein forms T1215I, T1182I.
Identifiers: ClinVar variation 3959860 (VCV003959860.1).

ClinVar aggregate classification (germline): Uncertain significance (1 of 4 stars; one submission).

Conditions:
Cardiovascular phenotype. Identifiers: MedGen CN230736.

Submission:

Ambry Genetics
Classification: Uncertain significance for Cardiovascular phenotype. Last evaluated: 2025-04-05. Review status: criteria provided, single submitter. Criteria: Ambry Variant Classification Scheme 2023. Collection method: clinical testing. Allele origin: germline.
Comment: The p.T1215I variant (also known as c.3644C>T), located in coding exon 23 of the SOS2 gene, results from a C to T substitution at nucleotide position 3644. The threonine at codon 1215 is replaced by isoleucine, an amino acid with similar properties. This amino acid position is conserved. In addition, the in silico prediction for this alteration is inconclusive. Based on the available evidence, the clinical significance of this variant remains unclear.